The following is an entry in ClinVar:

ClinVar aggregate classification (germline): Uncertain significance (1 of 4 stars; one submission).

gnomAD v4.1: 1 of 1,614,040 alleles (0.000062%); highest among the groups gnomAD compares: Non-Finnish European, 0.000085%; no homozygotes.

Submission:

Labcorp Genetics (formerly Invitae), Labcorp
Classification: Uncertain significance. Last evaluated: 2026-01-13. Review status: criteria provided, single submitter. Criteria: Invitae Variant Classification Sherloc (09022015). Collection method: clinical testing. Allele origin: germline.
Comment: This sequence change replaces glutamine, which is neutral and polar, with arginine, which is basic and polar, at codon 286 of the MYLK3 protein (p.Gln286Arg). This variant is not present in population databases (gnomAD no frequency). This variant has not been reported in the literature in individuals affected with MYLK3-related conditions. An algorithm developed to predict the effect of missense changes on protein structure and function outputs the following: PolyPhen-2: "Benign". The arginine amino acid residue is found in multiple mammalian species, which suggests that this missense change does not adversely affect protein function. In summary, the available evidence is currently insufficient to determine the role of this variant in disease. Therefore, it has been classified as a Variant of Uncertain Significance.

NM_182493.3(MYLK3):c.857A>G (p.Gln286Arg)

Gene: MYLK3 (myosin light chain kinase 3; minus strand). Cytogenetic location: 16q11.2.
Variant type: single nucleotide variant.
Coding change: c.857A>G on transcript NM_182493.3 (MANE Select); coding-DNA position 857, A replaced by G.
Protein change: p.Gln286Arg; replaces glutamine 286 with arginine.
Molecular consequence: missense variant. On other transcripts: intron variant (1).
Genome position (GRCh38, 1-based): chr16:46,737,855, T>C on the plus strand (A>G on the coding strand, the complement: MYLK3 is on the minus strand). VCF-style: chr16-46737855-T-C. GRCh37 (hg19) VCF-style: chr16-46771767-T-C.
Other names: c.-23+2202A>G (NM_001308301.1); short protein forms Q286R.
Identifiers: ClinVar variation 4773750 (VCV004773750.1).
Genomic context (GRCh38, chr16:46,737,855, plus strand): 5'-GGAGTCAGCCTCGTGCCTTCCTCTAAGGGCTCAGGGTCAGGCCTGCTGGACGATGCTCCT[T>C]GTCCTGCACCTGGTGCAACCTCCAGGCTCGGGGAGACCACATTGACCCTGCCGGGTGCTG-3'
Protein context (NP_872299.2, residues 276-296): PSLEVAPGAG[Gln286Arg]GASSSRPDPE